The following is an entry in ClinVar:

NM_001393504.1(MAST3):c.1432+4C>T

Gene: MAST3 (microtubule associated serine/threonine kinase 3; plus strand). Cytogenetic location: 19p13.11.
Variant type: single nucleotide variant.
Coding change: c.1432+4C>T on transcript NM_001393504.1 (MANE Select); 4 bases into the intron after coding-DNA position 1432, C replaced by T.
Molecular consequence: intron variant.
Genome position (GRCh38, 1-based): chr19:18,130,706, C>T. VCF-style: chr19-18130706-C-T. GRCh37 (hg19) VCF-style: chr19-18241516-C-T.
Other names: c.1456+4C>T (NM_001393501.1); c.1435+4C>T (NM_001393502.1); c.1366+4C>T (NM_001393508.1, NM_001393516.1); c.1345+4C>T (NM_001393514.1, NM_015016.2); c.1363+4C>T (NM_001393509.1, NM_001393512.1, NM_001393518.1 and 2 more transcripts); c.1342+4C>T (NM_001393515.1, NM_001393520.1); c.1432+4C>T (NM_001393503.1); c.1411+4C>T (NM_001393507.1); and 4 more.
Identifiers: ClinVar variation 2221357 (VCV002221357.2), dbSNP rs55774461, ClinGen allele CA9305877.
Genomic context (GRCh38, chr19:18,130,706, plus strand): 5'-TGTTCTGCTCCTTTGAGACCCGGCGCCACCTATGTATGGTCATGGAATACGTGGAAGGTA[C>T]GCTCACTGGGGCTTGCATGCCTCCAGCGATGGGGAGCTCACCCCTCCACGCCTGGGAGAA-3'

ClinVar aggregate classification (germline): Uncertain significance (1 of 4 stars; one submission).

Conditions:
Inborn genetic diseases. Identifiers: MedGen C0950123, MeSH D030342.

Allele frequency attached by ClinVar (database versions not stated): gnomAD 0.00001; ExAC 0.00003.
gnomAD v4.1: 22 of 1,612,298 alleles (0.0014%); highest among the groups gnomAD compares: African/African-American, 0.004%; no homozygotes.

Submission:

Ambry Genetics
Classification: Uncertain significance for Inborn genetic diseases. Last evaluated: 2022-02-15. Review status: criteria provided, single submitter. Criteria: Ambry Variant Classification Scheme 2023. Collection method: clinical testing. Allele origin: germline.
Comment: The c.1345+4C>T intronic alteration consists of a C to T substitution nucleotides after coding exon 13 in the MAST3 gene. Based on insufficient or conflicting evidence, the clinical significance of this alteration remains unclear.